The following is an entry in ClinVar:

NM_001170629.2(CHD8):c.7088A>G (p.Gln2363Arg)

Gene: CHD8 (chromodomain helicase DNA binding protein 8; minus strand). Cytogenetic location: 14q11.2.
Variant type: single nucleotide variant.
Coding change: c.7088A>G on transcript NM_001170629.2 (MANE Select); coding-DNA position 7088, A replaced by G.
Protein change: p.Gln2363Arg; replaces glutamine 2363 with arginine.
Molecular consequence: missense variant.
Genome position (GRCh38, 1-based): chr14:21,391,041, T>C on the plus strand (A>G on the coding strand, the complement: CHD8 is on the minus strand). VCF-style: chr14-21391041-T-C. GRCh37 (hg19) VCF-style: chr14-21859200-T-C.
Other names: c.6251A>G, p.Gln2084Arg (NM_020920.4); short protein forms Q2363R, Q2084R.
Identifiers: ClinVar variation 2098133 (VCV002098133.4), dbSNP rs778041888, ClinGen allele CA388876918.

ClinVar aggregate classification (germline): Uncertain significance (1 of 4 stars; one submission).

Submission:

Labcorp Genetics (formerly Invitae), Labcorp
Classification: Uncertain significance. Last evaluated: 2024-04-10. Review status: criteria provided, single submitter. Criteria: Invitae Variant Classification Sherloc (09022015). Collection method: clinical testing. Allele origin: germline.
Comment: This sequence change replaces glutamine, which is neutral and polar, with arginine, which is basic and polar, at codon 2363 of the CHD8 protein (p.Gln2363Arg). This variant is not present in population databases (gnomAD no frequency). This variant has not been reported in the literature in individuals affected with CHD8-related conditions. ClinVar contains an entry for this variant (Variation ID: 2098133). Advanced modeling of protein sequence and biophysical properties (such as structural, functional, and spatial information, amino acid conservation, physicochemical variation, residue mobility, and thermodynamic stability) performed at Invitae indicates that this missense variant is not expected to disrupt CHD8 protein function with a negative predictive value of 80%. In summary, the available evidence is currently insufficient to determine the role of this variant in disease. Therefore, it has been classified as a Variant of Uncertain Significance.